The following is an entry in ClinVar:

ClinVar aggregate classification (germline): Uncertain significance. Review status: criteria provided, single submitter (1 of 4 stars). 2 submissions from 2 submitters: Uncertain significance (1). 1 of the submissions does not count toward it. Last evaluated 2026-01-27.

Conditions:
Niemann-Pick disease, type A. Also called: SPHINGOMYELIN LIPIDOSIS; SPHINGOMYELINASE DEFICIENCY; Infantile Neurovisceral ASMD (Niemann-Pick Disease Type A; NPD-A). Identifiers: Orphanet 77292, MedGen C0268242, MONDO:0009756, OMIM 257200. Disease mechanism: loss of function.

Submissions (2):

Women's Health and Genetics/Laboratory Corporation of America, LabCorp
Classification: Uncertain significance. Last evaluated: 2026-01-27. Review status: criteria provided, single submitter. Criteria: LabCorp Variant Classification Summary - May 2015. Collection method: clinical testing. Allele origin: germline.
Comment: Variant summary: SMPD1 c.1160G>A (p.Cys387Tyr) results in a non-conservative amino acid change in the encoded protein sequence. Algorithms developed to predict the effect of missense changes on protein structure and function all suggest that this variant is likely to be disruptive. The variant was absent in 249300 control chromosomes. The available data on variant occurrences in the general population are insufficient to allow any conclusion about variant significance. To our knowledge, no occurrence of c.1160G>A in individuals affected with SMPD1-related conditions and no experimental evidence demonstrating its impact on protein function have been reported. ClinVar contains an entry for this variant (Variation ID: 4061987). Based on the evidence outlined above, the variant was classified as uncertain significance.

Natera, Inc.
Classification: Uncertain significance for Niemann-Pick Disease, Types A/B. Last evaluated: 2025-02-17. Review status: no assertion criteria provided. Collection method: clinical testing. Allele origin: germline. Not counted in ClinVar's aggregate classification.

NM_000543.5(SMPD1):c.1160G>A (p.Cys387Tyr)

Gene: SMPD1 (sphingomyelin phosphodiesterase 1; plus strand). Cytogenetic location: 11p15.4.
Variant type: single nucleotide variant.
Coding change: c.1160G>A on transcript NM_000543.5 (MANE Select); coding-DNA position 1160, G replaced by A.
Protein change: p.Cys387Tyr; replaces cysteine 387 with tyrosine.
Molecular consequence: missense variant. On other transcripts: non-coding transcript variant (1), intron variant (1).
Genome position (GRCh38, 1-based): chr11:6,393,284, G>A. VCF-style: chr11-6393284-G-A. GRCh37 (hg19) VCF-style: chr11-6414514-G-A.
Other names: c.1157G>A, p.Cys386Tyr (NM_001007593.3); c.1160G>A, p.Cys387Tyr (NM_001318087.2); c.239G>A, p.Cys80Tyr (NM_001318088.2); c.1132-333G>A (NM_001365135.2); short protein forms C386Y, C387Y, C80Y.
Identifiers: ClinVar variation 4061987 (VCV004061987.2).
Genomic context (GRCh38, chr11:6,393,284, plus strand): 5'-GGTTCTATGCTCTTTCCCCATACCCCGGTCTCCGCCTCATCTCTCTCAATATGAATTTTT[G>A]TTCCCGTGAGAACTTCTGGCTCTTGATCAACTCCACGGATCCCGCAGGACAGCTCCAGTG-3'
Protein context (NP_000534.3, residues 377-397): LRLISLNMNF[Cys387Tyr]SRENFWLLIN